The following is an entry in ClinVar:

NM_000179.3(MSH6):c.3867_4001+42dup

Gene: MSH6 (mutS homolog 6; plus strand). Cytogenetic location: 2p16.3.
Variant type: Duplication.
Coding change: c.3867_4001+42dup on transcript NM_000179.3 (MANE Select); coding-DNA position 3867 through 42 bases into the intron after coding-DNA position 4001, 177 bases duplicated.
Molecular consequence: splice donor variant. On other transcripts: intron variant (1).
Genome position (GRCh38, 1-based): chr2:47,806,517-47,806,693, 177 bases duplicated. GRCh37 (hg19): chr2:48,033,656-48,033,832.
Other names: c.3867_4001+42dup (NM_001406809.1, NM_001406796.1, NM_001406808.1); c.2961_3095+42dup (NM_001406811.1, NM_001406814.1, NM_001281493.2 and 6 more transcripts); c.3570_3704+42dup (NM_001406805.1, NM_001406797.1, NM_001406801.1 and 10 more transcripts); c.3963_4097+42dup (NM_001406795.1); c.3897+159_3898-86dup (NM_001406802.1); c.3873_4007+42dup (NM_001406813.1); c.3342_3476+42dup (NM_001406807.1, NM_001406799.1, NM_001406806.1); c.3854_*22+42dup (NM_001406800.1); and 9 more.
Identifiers: ClinVar variation 3657289 (VCV003657289.2).

ClinVar aggregate classification (germline): Uncertain significance (1 of 4 stars; one submission).

Conditions:
Hereditary nonpolyposis colorectal neoplasms. Identifiers: MedGen C0009405, MeSH D003123.

Submission:

Labcorp Genetics (formerly Invitae), Labcorp
Classification: Uncertain significance for Hereditary nonpolyposis colorectal neoplasms. Last evaluated: 2024-06-21. Review status: criteria provided, single submitter. Criteria: Invitae Variant Classification Sherloc (09022015). Collection method: clinical testing. Allele origin: germline.
Comment: This sequence change falls in intron 9 of the MSH6 gene. It does not directly change the encoded amino acid sequence of the MSH6 protein. This variant is not present in population databases (gnomAD no frequency). This variant has not been reported in the literature in individuals affected with MSH6-related conditions. Experimental studies and prediction algorithms are not available or were not evaluated, and the effect of this variant on mRNA splicing is currently unknown. In summary, the available evidence is currently insufficient to determine the role of this variant in disease. Therefore, it has been classified as a Variant of Uncertain Significance.